The following is an entry in ClinVar:

ClinVar aggregate classification (germline): Likely benign (0 of 4 stars; one submission).

Conditions:
DNAH9-related disorder. Also called: DNAH9-related condition.

Submission:

PreventionGenetics, part of Exact Sciences
Classification: Likely benign for DNAH9-related condition. Last evaluated: 2022-12-20. Review status: no assertion criteria provided. Collection method: clinical testing. Allele origin: germline.
Comment: This variant is classified as likely benign based on ACMG/AMP sequence variant interpretation guidelines (Richards et al. 2015 PMID: 25741868, with internal and published modifications).

NM_001372.4(DNAH9):c.945G>T (p.Pro315=)

Gene: DNAH9 (dynein axonemal heavy chain 9; plus strand). Cytogenetic location: 17p12.
Variant type: single nucleotide variant.
Coding change: c.945G>T on transcript NM_001372.4 (MANE Select); coding-DNA position 945, G replaced by T.
Protein change: p.Pro315=; no amino-acid change (proline 315 retained).
Molecular consequence: synonymous variant.
Genome position (GRCh38, 1-based): chr17:11,617,451, G>T. VCF-style: chr17-11617451-G-T. GRCh37 (hg19) VCF-style: chr17-11520768-G-T.
Identifiers: ClinVar variation 3055145 (VCV003055145.2), dbSNP rs190793029, ClinGen allele CA497871767.